The following is an entry in ClinVar:

NM_024675.4(PALB2):c.108+2T>G

Gene: PALB2 (partner and localizer of BRCA2; minus strand). Cytogenetic location: 16p12.2.
Variant type: single nucleotide variant.
Coding change: c.108+2T>G on transcript NM_024675.4 (MANE Select); the canonical splice donor site of the intron after coding-DNA position 108, T replaced by G.
Molecular consequence: splice donor variant. On other transcripts: intron variant (4).
Genome position (GRCh38, 1-based): chr16:23,638,068, A>C on the plus strand (T>G on the coding strand, the complement: PALB2 is on the minus strand). VCF-style: chr16-23638068-A-C. GRCh37 (hg19) VCF-style: chr16-23649389-A-C.
Other names: c.-778+2T>G (NM_001407308.1, NM_001407306.1, NM_001407307.1 and 5 more transcripts); c.48+3042T>G (NM_001407314.1); c.-105+3042T>G (NM_001407313.1, NM_001407312.1); c.49-116T>G (NM_001407296.1); c.108+2T>G (NM_001407297.1, NM_001407302.1, NM_001407298.1 and 3 more transcripts).
Identifiers: ClinVar variation 2573252 (VCV002573252.4), dbSNP rs2142459705, ClinGen allele CA395139553.

ClinVar aggregate classification (germline): Pathogenic/Likely pathogenic. Review status: criteria provided, multiple submitters, no conflicts (2 of 4 stars). 2 submissions from 2 submitters: Pathogenic (1); Likely pathogenic (1). Last evaluated 2025-01-15.

Conditions:
Familial cancer of breast. Also called: hereditary breast carcinoma; Hereditary breast cancer; BREAST CANCER, FAMILIAL. Identifiers: Orphanet 227535, MedGen C0346153, MONDO:0016419, OMIM 114480. Disease mechanism: loss of function.

Submissions (2):

Labcorp Genetics (formerly Invitae), Labcorp
Classification: Pathogenic for Familial cancer of breast. Last evaluated: 2025-01-15. Review status: criteria provided, single submitter. Criteria: Invitae Variant Classification Sherloc (09022015). Collection method: clinical testing. Allele origin: germline.
Comment: This sequence change affects a donor splice site in intron 2 of the PALB2 gene. RNA analysis indicates that disruption of this splice site induces altered splicing and may result in an absent or altered protein product. This variant is not present in population databases (gnomAD no frequency). Disruption of this splice site has been observed in individual(s) with breast cancer and/or soft tissue sarcoma (PMID: 34308366, 35264596). ClinVar contains an entry for this variant (Variation ID: 2573252). Studies have shown that disruption of this splice site alters mRNA splicing and is expected to lead to the loss of protein expression (PMID: 34846068; internal data). For these reasons, this variant has been classified as Pathogenic.

Myriad Genetics, Inc.
Classification: Likely pathogenic for Familial cancer of breast. Last evaluated: 2023-03-28. Review status: criteria provided, single submitter. Criteria: Myriad Autosomal Dominant, Autosomal Recessive and X-Linked Classification Criteria (2023). Collection method: clinical testing. Allele origin: unknown.
Comment: This variant is considered likely pathogenic. This variant occurs within a consensus splice junction and is predicted to result in abnormal mRNA splicing of either an out-of-frame exon or an in-frame exon necessary for protein stability and/or normal function.

Literature cited by the submitters: PubMed 34308366 (cited by Labcorp Genetics (formerly Invitae), Labcorp); PubMed 35264596 (cited by Labcorp Genetics (formerly Invitae), Labcorp); PubMed 34846068 (cited by Labcorp Genetics (formerly Invitae), Labcorp).